The following is an entry in ClinVar:

ClinVar aggregate classification (germline): Pathogenic/Likely pathogenic. Review status: criteria provided, multiple submitters, no conflicts (2 of 4 stars). 2 submissions from 2 submitters: Pathogenic (1); Likely pathogenic (1). Last evaluated 2021-11-02.

Conditions:
Heimler syndrome 1 (HMLR1). Also called: PEROXISOME BIOGENESIS DISORDER 1C. Identifiers: Orphanet 3220, MedGen C4551980, OMIM 234580, MONDO:0024544.
Zellweger spectrum disorders (ZS). Also called: Zellweger Spectrum Disorder; Zellweger Spectrum; Zellweger syndrome; Zellweger Spectrum Disorder (ZSD). Identifiers: Orphanet 912, MedGen C0043459, MONDO:0019609.

Allele frequency attached by ClinVar (database versions not stated): gnomAD exomes below 0.00001.
gnomAD v4.1: 1 of 1,611,346 alleles (0.000062%); highest among the groups gnomAD compares: South Asian, 0.0011%; no homozygotes.

Submissions (2):

Baylor Genetics
Classification: Pathogenic for Heimler syndrome 1. Last evaluated: 2021-11-02. Review status: criteria provided, single submitter. Criteria: ACMG Guidelines, 2015. Collection method: clinical testing. Allele origin: unknown.

Labcorp Genetics (formerly Invitae), Labcorp
Classification: Likely pathogenic for Zellweger spectrum disorders. Last evaluated: 2020-09-02. Review status: criteria provided, single submitter. Criteria: Invitae Variant Classification Sherloc (09022015). Collection method: clinical testing. Allele origin: germline.
Comment: This sequence change affects a donor splice site in intron 20 of the PEX1 gene. It is expected to disrupt RNA splicing and likely results in an absent or disrupted protein product. This variant is not present in population databases (ExAC no frequency). This variant has been observed in individual(s) with clinical features of Zellweger spectrum disorder (PMID: 9398847). This variant is also known as PBD118 allele b in the literature. Algorithms developed to predict the effect of sequence changes on RNA splicing suggest that this variant may disrupt the consensus splice site, but this prediction has not been confirmed by published transcriptional studies. Donor and acceptor splice site variants typically lead to a loss of protein function (PMID: 16199547), and loss-of-function variants in PEX1 are known to be pathogenic (PMID: 9398847, 16086329, 16141001, 21031596). In summary, the currently available evidence indicates that the variant is pathogenic, but additional data are needed to prove that conclusively. Therefore, this variant has been classified as Likely Pathogenic.

Literature cited by the submitters: PubMed 9398847 (cited by Labcorp Genetics (formerly Invitae), Labcorp); PubMed 16199547 (cited by Labcorp Genetics (formerly Invitae), Labcorp); PubMed 16086329 (cited by Labcorp Genetics (formerly Invitae), Labcorp); PubMed 16141001 (cited by Labcorp Genetics (formerly Invitae), Labcorp); PubMed 21031596 (cited by Labcorp Genetics (formerly Invitae), Labcorp).

NM_000466.3(PEX1):c.3207+1G>C

Genes: GATAD1 (GATA zinc finger domain containing 1; plus strand), PEX1 (peroxisomal biogenesis factor 1; minus strand). Cytogenetic location: 7q21.2.
Variant type: single nucleotide variant.
Coding change: c.3207+1G>C on transcript NM_000466.3 (MANE Select); the canonical splice donor site of the intron after coding-DNA position 3207, G replaced by C.
Molecular consequence: splice donor variant.
Genome position (GRCh38, 1-based): chr7:92,492,952, C>G on the plus strand (G>C on the coding strand, the complement: PEX1 is on the minus strand). VCF-style: chr7-92492952-C-G. GRCh37 (hg19) VCF-style: chr7-92122266-C-G.
Other names: c.3036+1G>C (NM_001282677.2); c.2583+1G>C (NM_001282678.2).
Identifiers: ClinVar variation 1066589 (VCV001066589.10), dbSNP rs267608181, ClinGen allele CA161954270.